The following is an entry in ClinVar:

NM_000165.5(GJA1):c.508T>G (p.Leu170Val)

Gene: GJA1 (gap junction protein alpha 1; plus strand). Cytogenetic location: 6q22.31.
Variant type: single nucleotide variant.
Coding change: c.508T>G on transcript NM_000165.5 (MANE Select); coding-DNA position 508, T replaced by G.
Protein change: p.Leu170Val; replaces leucine 170 with valine.
Molecular consequence: missense variant.
Genome position (GRCh38, 1-based): chr6:121,447,355, T>G. VCF-style: chr6-121447355-T-G. GRCh37 (hg19) VCF-style: chr6-121768501-T-G.
Other names: short protein forms L170V.
Identifiers: ClinVar variation 1367983 (VCV001367983.9), dbSNP rs377077470, ClinGen allele CA3981696.

ClinVar aggregate classification (germline): Uncertain significance. Review status: criteria provided, multiple submitters, no conflicts (2 of 4 stars). 3 submissions from 3 submitters: Uncertain significance (3). Last evaluated 2025-04-10.

Conditions:
Inborn genetic diseases. Identifiers: MedGen C0950123, MeSH D030342.
Oculodentodigital dysplasia, autosomal recessive. Also called: OCULODENTOOSSEOUS DYSPLASIA, AUTOSOMAL RECESSIVE; ODDD, AUTOSOMAL RECESSIVE; ODOD, AUTOSOMAL RECESSIVE. Identifiers: Orphanet 2710, MedGen C2749477, MONDO:0009768, OMIM 257850.

Allele frequency attached by ClinVar (database versions not stated): ExAC 0.00003; gnomAD 0.00005 and 0.00006; TOPMed 0.00006; ESP Exome Variant Server 0.00008.
gnomAD v4.1: 141 of 1,614,020 alleles (0.0087%); highest among the groups gnomAD compares: Non-Finnish European, 0.012%; no homozygotes.

Submissions (3):

Labcorp Genetics (formerly Invitae), Labcorp
Classification: Uncertain significance for Oculodentodigital dysplasia, autosomal recessive. Last evaluated: 2025-04-10. Review status: criteria provided, single submitter. Criteria: Invitae Variant Classification Sherloc (09022015). Collection method: clinical testing. Allele origin: germline.
Comment: This sequence change replaces leucine, which is neutral and non-polar, with valine, which is neutral and non-polar, at codon 170 of the GJA1 protein (p.Leu170Val). This variant is present in population databases (rs377077470, gnomAD 0.006%). This variant has not been reported in the literature in individuals affected with GJA1-related conditions. ClinVar contains an entry for this variant (Variation ID: 1367983). Invitae Evidence Modeling of protein sequence and biophysical properties (such as structural, functional, and spatial information, amino acid conservation, physicochemical variation, residue mobility, and thermodynamic stability) indicates that this missense variant is expected to disrupt GJA1 protein function with a positive predictive value of 95%. In summary, the available evidence is currently insufficient to determine the role of this variant in disease. Therefore, it has been classified as a Variant of Uncertain Significance.

Ambry Genetics
Classification: Uncertain significance for Inborn genetic diseases. Last evaluated: 2023-01-23. Review status: criteria provided, single submitter. Criteria: Ambry Variant Classification Scheme 2023. Collection method: clinical testing. Allele origin: germline.

GeneDx
Classification: Uncertain significance. Last evaluated: 2022-04-12. Review status: criteria provided, single submitter. Criteria: GeneDx Variant Classification Process June 2021. Collection method: clinical testing. Allele origin: germline. Affected: yes.
Comment: In silico analysis supports that this missense variant does not alter protein structure/function; Has not been previously published as pathogenic or benign to our knowledge